The following is an entry in ClinVar:

ClinVar aggregate classification (germline): Uncertain significance (1 of 4 stars; one submission).

Conditions:
Developmental and epileptic encephalopathy, 11 (DEE11). Also called: Early infantile epileptic encephalopathy 11. Identifiers: Orphanet 1934, MedGen C3150987, MONDO:0013388, OMIM 613721.
Seizures, benign familial infantile, 3 (BFIS3). Also called: Familial neonatal seizures; CONVULSIONS, BENIGN FAMILIAL INFANTILE, 3. Identifiers: Orphanet 140927, Orphanet 306, MedGen C1843140, MONDO:0011904, OMIM 607745.

Submission:

Labcorp Genetics (formerly Invitae), Labcorp
Classification: Uncertain significance for Seizures, benign familial infantile, 3; Developmental and epileptic encephalopathy, 11. Last evaluated: 2025-02-06. Review status: criteria provided, single submitter. Criteria: Invitae Variant Classification Sherloc (09022015). Collection method: clinical testing. Allele origin: germline.
Comment: This sequence change replaces glutamic acid, which is acidic and polar, with valine, which is neutral and non-polar, at codon 696 of the SCN2A protein (p.Glu696Val). This variant is not present in population databases (gnomAD no frequency). This variant has not been reported in the literature in individuals affected with SCN2A-related conditions. Invitae Evidence Modeling of protein sequence and biophysical properties (such as structural, functional, and spatial information, amino acid conservation, physicochemical variation, residue mobility, and thermodynamic stability) has been performed for this missense variant. However, the output from this modeling did not meet the statistical confidence thresholds required to predict the impact of this variant on SCN2A protein function. In summary, the available evidence is currently insufficient to determine the role of this variant in disease. Therefore, it has been classified as a Variant of Uncertain Significance.

NM_001040142.2(SCN2A):c.2087A>T (p.Glu696Val)

Gene: SCN2A (sodium voltage-gated channel alpha subunit 2; plus strand). Cytogenetic location: 2q24.3.
Variant type: single nucleotide variant.
Coding change: c.2087A>T on transcript NM_001040142.2 (MANE Select); coding-DNA position 2087, A replaced by T.
Protein change: p.Glu696Val; replaces glutamic acid 696 with valine.
Molecular consequence: missense variant.
Genome position (GRCh38, 1-based): chr2:165,326,922, A>T. VCF-style: chr2-165326922-A-T. GRCh37 (hg19) VCF-style: chr2-166183432-A-T.
Other names: c.2087A>T, p.Glu696Val (NM_001040143.2, NM_001371246.1, NM_001371247.1 and 1 more transcripts); short protein forms E696V.
Identifiers: ClinVar variation 3761749 (VCV003761749.2).